The following is an entry in ClinVar:

ClinVar aggregate classification (germline): Pathogenic. Review status: criteria provided, multiple submitters, no conflicts (2 of 4 stars). 2 submissions from 2 submitters: Pathogenic (2). Last evaluated 2026-07-01.

Conditions:
Autosomal recessive osteopetrosis 1. Also called: TCIRG1-Related Autosomal Recessive Osteopetrosis; ALBERS-SCHONBERG DISEASE, AUTOSOMAL RECESSIVE; TCIRG1-Related Osteopetrosis. Identifiers: Orphanet 667, MedGen C1850127, MONDO:0009815, OMIM 259700.

Submissions (2):

Myriad Genetics, Inc.
Classification: Pathogenic for Autosomal recessive osteopetrosis 1. Last evaluated: 2026-07-01. Review status: criteria provided, single submitter. Criteria: Myriad Autosomal Dominant, Autosomal Recessive and X-Linked Classification Criteria (2023). Collection method: clinical testing. Allele origin: unknown.
Comment: NM_006019.3(TCIRG1):c.2001delC(A668Lfs*19) is expected to be pathogenic in the context of autosomal recessive osteopetrosis type 1. This variant is predicted to lead to an abnormal or absent protein product due to the creation of a premature termination codon in TCIRG1, a gene where loss-of-function variants are known to be pathogenic. Please note: this variant was assessed in the context of healthy population screening.

Labcorp Genetics (formerly Invitae), Labcorp
Classification: Pathogenic. Last evaluated: 2023-06-16. Review status: criteria provided, single submitter. Criteria: Invitae Variant Classification Sherloc (09022015). Collection method: clinical testing. Allele origin: germline.
Comment: For these reasons, this variant has been classified as Pathogenic. This variant has not been reported in the literature in individuals affected with TCIRG1-related conditions. This variant is not present in population databases (gnomAD no frequency). This sequence change creates a premature translational stop signal (p.Ala668Leufs*19) in the TCIRG1 gene. It is expected to result in an absent or disrupted protein product. Loss-of-function variants in TCIRG1 are known to be pathogenic (PMID: 10888887, 10942435, 11532986, 19448635).

Literature cited by the submitters: PubMed 10888887 (cited by Labcorp Genetics (formerly Invitae), Labcorp); PubMed 10942435 (cited by Labcorp Genetics (formerly Invitae), Labcorp); PubMed 11532986 (cited by Labcorp Genetics (formerly Invitae), Labcorp); PubMed 19448635 (cited by Labcorp Genetics (formerly Invitae), Labcorp).

NM_006019.4(TCIRG1):c.2001del (p.Ala668fs)

Gene: TCIRG1 (T cell immune regulator 1, ATPase H+ transporting V0 subunit a3; plus strand). Cytogenetic location: 11q13.2.
Variant type: Deletion.
Coding change: c.2001del on transcript NM_006019.4 (MANE Select); coding-DNA position 2001, one base deleted (C; older notation c.2001delC).
Protein change: p.Ala668fs; shifts the reading frame from alanine 668.
Molecular consequence: frameshift variant.
Genome position (GRCh38, 1-based): chr11:68,049,776, C deleted; the last of 3 consecutive C bases (chr11:68,049,774-68,049,776); deleting any one gives the same sequence. VCF-style (leftmost placement, unchanged base first): chr11-68049773-GC-G. GRCh37 (hg19) VCF-style: chr11-67817240-GC-G.
Other names: c.1107del, p.Ala370fs (NM_001351059.2); c.1353del, p.Ala452fs (NM_006053.4); short protein forms A452fs, A370fs, A668fs.
Identifiers: ClinVar variation 2717974 (VCV002717974.4), dbSNP rs2495664346, ClinGen allele CA2697548732.